The following is an entry in ClinVar:

ClinVar aggregate classification (germline): Likely benign. Review status: criteria provided, multiple submitters, no conflicts (2 of 4 stars). 4 submissions from 4 submitters: Likely benign (4). Last evaluated 2023-08-15.

Conditions:
Cardiomyopathy (CMYO). Also called: Cardiomyopathies. Identifiers: Orphanet 167848, MedGen C0878544, MONDO:0004994, HP:0001638. Inheritance: Various modes of inheritance.
Hypertrophic cardiomyopathy. Also called: HYPERTROPHIC MYOCARDIOPATHY. Identifiers: Orphanet 217569, MedGen C0007194, MeSH D002312, MONDO:0005045, HP:0001639.

gnomAD v4.1: 2 of 1,614,062 alleles (0.00012%); highest among the groups gnomAD compares: Non-Finnish European, 0.00017%; no homozygotes.

Submissions (4):

All of Us Research Program, National Institutes of Health
Classification: Likely benign for Hypertrophic cardiomyopathy. Last evaluated: 2023-08-15. Review status: criteria provided, single submitter. Criteria: ACMG Guidelines, 2015. Collection method: clinical testing. Allele origin: germline. Inheritance: Autosomal dominant inheritance. Observed: 2 variant alleles, 2 heterozygotes.
Comment: This study involves interpretation of variants in research participants for the purpose of population health screening. Participant phenotype was not available at the time of variant classification. Additional details can be found in publication PMID: 35346344, PMCID: PMC8962531

Labcorp Genetics (formerly Invitae), Labcorp
Classification: Likely benign for Hypertrophic cardiomyopathy. Last evaluated: 2019-10-29. Review status: criteria provided, single submitter. Criteria: Invitae Variant Classification Sherloc (09022015). Collection method: clinical testing. Allele origin: germline.

Color Diagnostics, LLC DBA Color Health
Classification: Likely benign for Cardiomyopathy. Last evaluated: 2018-06-04. Review status: criteria provided, single submitter. Criteria: ACMG Guidelines, 2015. Collection method: clinical testing. Allele origin: germline.

Laboratory for Molecular Medicine, Mass General Brigham Personalized Medicine
Classification: Likely benign. Last evaluated: 2015-07-28. Review status: criteria provided, single submitter. Criteria: LMM Criteria. Collection method: clinical testing. Allele origin: germline. Observed: 1 variant allele.
Comment: p.Val712Val in exon 22 of MYBPC3: This variant is not expected to have clinical significance because it does not alter an amino acid residue and is not located within the splice consensus sequence.

NM_000256.3(MYBPC3):c.2136G>A (p.Val712=)

Gene: MYBPC3 (myosin binding protein C3; minus strand). Cytogenetic location: 11p11.2.
Variant type: single nucleotide variant.
Coding change: c.2136G>A on transcript NM_000256.3 (MANE Select); coding-DNA position 2136, G replaced by A.
Protein change: p.Val712=; no amino-acid change (valine 712 retained).
Molecular consequence: synonymous variant.
Genome position (GRCh38, 1-based): chr11:47,339,336, C>T on the plus strand (G>A on the coding strand, the complement: MYBPC3 is on the minus strand). VCF-style: chr11-47339336-C-T. GRCh37 (hg19) VCF-style: chr11-47360887-C-T.
Identifiers: ClinVar variation 227565 (VCV000227565.17), dbSNP rs876657511, ClinGen allele CA10576888.